The following is an entry in ClinVar:

ClinVar aggregate classification (germline): Uncertain significance. Review status: criteria provided, multiple submitters, no conflicts (2 of 4 stars). 2 submissions from 2 submitters: Uncertain significance (2). Last evaluated 2022-03-13.

Conditions:
Hereditary fructosuria. Also called: ALDOB DEFICIENCY; ALDOLASE B DEFICIENCY; FRUCTOSE-1,6-BISPHOSPHATE ALDOLASE B DEFICIENCY; FRUCTOSE-1-PHOSPHATE ALDOLASE DEFICIENCY; FRUCTOSEMIA; Hereditary fructose intolerance. Identifiers: Orphanet 469, MedGen C0016751, MONDO:0009249, OMIM 229600, HP:0005973. Disease mechanism: loss of function.

Allele frequency attached by ClinVar (database versions not stated): gnomAD 0.00001; gnomAD exomes 0.00002 and 0.00001; TOPMed 0.00001; ExAC 0.00002.
gnomAD v4.1: 6 of 1,613,902 alleles (0.00037%); highest among the groups gnomAD compares: Admixed American, 0.01%; no homozygotes.

Submissions (2):

Labcorp Genetics (formerly Invitae), Labcorp
Classification: Uncertain significance for Hereditary fructosuria. Last evaluated: 2022-03-13. Review status: criteria provided, single submitter. Criteria: Invitae Variant Classification Sherloc (09022015). Collection method: clinical testing. Allele origin: germline.
Comment: In summary, the available evidence is currently insufficient to determine the role of this variant in disease. Therefore, it has been classified as a Variant of Uncertain Significance. Algorithms developed to predict the effect of missense changes on protein structure and function are either unavailable or do not agree on the potential impact of this missense change (SIFT: "Deleterious"; PolyPhen-2: "Benign"; Align-GVGD: "Class C0"). ClinVar contains an entry for this variant (Variation ID: 912483). This variant has not been reported in the literature in individuals affected with ALDOB-related conditions. This variant is present in population databases (rs763058812, gnomAD 0.02%). This sequence change replaces proline, which is neutral and non-polar, with leucine, which is neutral and non-polar, at codon 115 of the ALDOB protein (p.Pro115Leu).

Illumina Laboratory Services, Illumina
Classification: Uncertain significance for Hereditary fructosuria. Last evaluated: 2018-01-13. Review status: criteria provided, single submitter. Criteria: ICSL Variant Classification Criteria 13 December 2019. Collection method: clinical testing. Allele origin: germline.

NM_000035.4(ALDOB):c.344C>T (p.Pro115Leu)

Gene: ALDOB (aldolase, fructose-bisphosphate B; minus strand). Cytogenetic location: 9q31.1.
Variant type: single nucleotide variant.
Coding change: c.344C>T on transcript NM_000035.4 (MANE Select); coding-DNA position 344, C replaced by T.
Protein change: p.Pro115Leu; replaces proline 115 with leucine.
Molecular consequence: missense variant.
Genome position (GRCh38, 1-based): chr9:101,428,504, G>A on the plus strand (C>T on the coding strand, the complement: ALDOB is on the minus strand). VCF-style: chr9-101428504-G-A. GRCh37 (hg19) VCF-style: chr9-104190786-G-A.
Other names: short protein forms P115L.
Identifiers: ClinVar variation 912483 (VCV000912483.8), dbSNP rs763058812, ClinGen allele CA5161649.